The following is an entry in ClinVar:

ClinVar aggregate classification (germline): Uncertain significance (1 of 4 stars; one submission).

Conditions:
Diffuse cerebral and cerebellar atrophy - intractable seizures - progressive microcephaly syndrome. Also called: Microcephaly, progressive, with seizures and cerebral and cerebellar atrophy. Identifiers: Orphanet 404437, MedGen C4014239, MONDO:0014335, OMIM 615760.

Submission:

Labcorp Genetics (formerly Invitae), Labcorp
Classification: Uncertain significance for Diffuse cerebral and cerebellar atrophy - intractable seizures - progressive microcephaly syndrome. Last evaluated: 2020-07-21. Review status: criteria provided, single submitter. Criteria: Invitae Variant Classification Sherloc (09022015). Collection method: clinical testing. Allele origin: germline.
Comment: This sequence change replaces valine with glycine at codon 173 of the QARS protein (p.Val173Gly). The valine residue is highly conserved and there is a moderate physicochemical difference between valine and glycine. This variant is not present in population databases (ExAC no frequency). This variant has not been reported in the literature in individuals with QARS-related conditions. Algorithms developed to predict the effect of missense changes on protein structure and function (SIFT, PolyPhen-2, Align-GVGD) all suggest that this variant is likely to be disruptive, but these predictions have not been confirmed by published functional studies and their clinical significance is uncertain. In summary, the available evidence is currently insufficient to determine the role of this variant in disease. Therefore, it has been classified as a Variant of Uncertain Significance.

NM_005051.3(QARS1):c.518T>G (p.Val173Gly)

Gene: QARS1 (glutaminyl-tRNA synthetase 1; minus strand). Cytogenetic location: 3p21.31.
Variant type: single nucleotide variant.
Coding change: c.518T>G on transcript NM_005051.3 (MANE Select); coding-DNA position 518, T replaced by G.
Protein change: p.Val173Gly; replaces valine 173 with glycine.
Molecular consequence: missense variant. On other transcripts: non-coding transcript variant (1).
Genome position (GRCh38, 1-based): chr3:49,102,471, A>C on the plus strand (T>G on the coding strand, the complement: QARS1 is on the minus strand). VCF-style: chr3-49102471-A-C. GRCh37 (hg19) VCF-style: chr3-49139904-A-C.
Other names: c.485T>G, p.Val162Gly (NM_001272073.2); short protein forms V162G, V173G.
Identifiers: ClinVar variation 1051529 (VCV001051529.5), dbSNP rs2107109072, ClinGen allele CA352717080.